The following is an entry in ClinVar:

NM_006282.5(STK4):c.960+5G>A

Gene: STK4 (serine/threonine kinase 4; plus strand). Cytogenetic location: 20q13.12.
Variant type: single nucleotide variant.
Coding change: c.960+5G>A on transcript NM_006282.5 (MANE Select); 5 bases into the intron after coding-DNA position 960, G replaced by A.
Molecular consequence: intron variant.
Genome position (GRCh38, 1-based): chr20:45,000,525, G>A. VCF-style: chr20-45000525-G-A. GRCh37 (hg19) VCF-style: chr20-43629166-G-A.
Other names: c.960+5G>A (NM_001352385.2).
Identifiers: ClinVar variation 1046044 (VCV001046044.10), dbSNP rs2067818030, ClinGen allele CA2366023371.

ClinVar aggregate classification (germline): Uncertain significance (1 of 4 stars; one submission).

Conditions:
Combined immunodeficiency due to STK4 deficiency (IMD110). Also called: T-cell immunodeficiency, recurrent infections, and autoimmunity with or without cardiac malformations; STK4 DEFICIENCY; MST1 DEFICIENCY. Identifiers: Orphanet 314689, MedGen C3553943, MONDO:0013934, OMIM 614868.

Allele frequency attached by ClinVar (database versions not stated): gnomAD exomes below 0.00001.
gnomAD v4.1: 1 of 1,613,666 alleles (0.000062%); highest among the groups gnomAD compares: Non-Finnish European, 0.000085%; no homozygotes.

Submission:

Labcorp Genetics (formerly Invitae), Labcorp
Classification: Uncertain significance for Combined immunodeficiency due to STK4 deficiency. Last evaluated: 2020-11-26. Review status: criteria provided, single submitter. Criteria: Invitae Variant Classification Sherloc (09022015). Collection method: clinical testing. Allele origin: germline.
Comment: Nucleotide substitutions within the consensus splice site are a relatively common cause of aberrant splicing (PMID: 17576681, 9536098). Algorithms developed to predict the effect of sequence changes on RNA splicing suggest that this variant may disrupt the consensus splice site, but this prediction has not been confirmed by published transcriptional studies. In summary, the available evidence is currently insufficient to determine the role of this variant in disease. Therefore, it has been classified as a Variant of Uncertain Significance. This sequence change falls in intron 8 of the STK4 gene. It does not directly change the encoded amino acid sequence of the STK4 protein, but it affects a nucleotide within the consensus splice site of the intron. This variant is not present in population databases (ExAC no frequency). This variant has not been reported in the literature in individuals with STK4-related conditions.

Literature cited by the submitters: PubMed 17576681; PubMed 9536098.